The following is an entry in ClinVar:

NM_002180.3(IGHMBP2):c.602T>C (p.Leu201Ser)

Gene: IGHMBP2 (immunoglobulin mu DNA binding protein 2; plus strand). Cytogenetic location: 11q13.3.
Variant type: single nucleotide variant.
Coding change: c.602T>C on transcript NM_002180.3 (MANE Select); coding-DNA position 602, T replaced by C.
Protein change: p.Leu201Ser; replaces leucine 201 with serine.
Molecular consequence: missense variant.
Genome position (GRCh38, 1-based): chr11:68,911,494, T>C. VCF-style: chr11-68911494-T-C. GRCh37 (hg19) VCF-style: chr11-68678962-T-C.
Other names: short protein forms L201S.
Identifiers: ClinVar variation 258576 (VCV000258576.43), dbSNP rs560096, ClinGen allele CA6153338.

ClinVar aggregate classification (germline): Benign/Likely benign. Review status: criteria provided, multiple submitters, no conflicts (2 of 4 stars). 16 submissions from 16 submitters: Benign (12); Likely benign (1). 3 of the submissions do not count toward it. Last evaluated 2026-06-12.

Conditions:
Autosomal recessive distal spinal muscular atrophy 1. Also called: HMN VI; NEURONOPATHY, SEVERE INFANTILE AXONAL, WITH RESPIRATORY FAILURE; NEURONOPATHY, DISTAL HEREDITARY MOTOR, HARDING TYPE VI; NEUROPATHY, DISTAL HEREDITARY MOTOR, AUTOSOMAL RECESSIVE 1; SEVERE INFANTILE AXONAL NEUROPATHY WITH RESPIRATORY FAILURE; SPINAL MUSCULAR ATROPHY, DIAPHRAGMATIC. Identifiers: Orphanet 98920, MedGen C1858517, MONDO:0011436, OMIM 604320.
Charcot-Marie-Tooth disease axonal type 2S. Also called: CHARCOT-MARIE-TOOTH DISEASE, AXONAL, AUTOSOMAL RECESSIVE, TYPE 2S; CHARCOT-MARIE-TOOTH NEUROPATHY, TYPE 2S. Identifiers: Orphanet 443073, MedGen C4015349, MONDO:0014511, OMIM 616155.
Charcot-Marie-Tooth disease. Also called: Charcot-Marie-Tooth Hereditary Neuropathy; Charcot-Marie-Tooth Neuropathy. Identifiers: Orphanet 166, MedGen C0007959, MONDO:0015626.

Allele frequency attached by ClinVar (database versions not stated): 1000 Genomes Project 0.68051; 1000 Genomes Project 30x 0.68285; gnomAD 0.76197 and 0.76511; gnomAD exomes 0.77325 and 0.82001; ESP Exome Variant Server 0.77856; TOPMed 0.76239; ExAC 0.77189.
gnomAD v4.1: 1,312,784 of 1,613,828 alleles (81%); highest among the groups gnomAD compares: Non-Finnish European, 85%; 538,558 homozygotes.

Submissions (16):

Women's Health and Genetics/Laboratory Corporation of America, LabCorp
Classification: Benign. Last evaluated: 2026-06-12. Review status: criteria provided, single submitter. Criteria: LabCorp Variant Classification Summary - May 2015. Collection method: clinical testing. Allele origin: germline.

Labcorp Genetics (formerly Invitae), Labcorp
Classification: Benign for Autosomal recessive distal spinal muscular atrophy 1; Charcot-Marie-Tooth disease axonal type 2S. Last evaluated: 2026-02-04. Review status: criteria provided, single submitter. Criteria: Invitae Variant Classification Sherloc (09022015). Collection method: clinical testing. Allele origin: germline.

ARUP Laboratories, Molecular Genetics and Genomics, ARUP Laboratories
Classification: Benign. Last evaluated: 2025-07-30. Review status: criteria provided, single submitter. Criteria: ARUP Molecular Germline Variant Investigation Process 2024. Collection method: clinical testing. Allele origin: germline.

Blueprint Genetics
Classification: Likely benign. Last evaluated: 2024-11-27. Review status: criteria provided, single submitter. Criteria: ACMG Guidelines, 2015. Collection method: clinical testing. Allele origin: germline.

Genome-Nilou Lab
Classification: Benign for Charcot-Marie-Tooth disease axonal type 2S. Last evaluated: 2021-08-10. Review status: criteria provided, single submitter. Criteria: ACMG Guidelines, 2015. Collection method: clinical testing. Allele origin: germline. Affected: no.

Athena Diagnostics
Classification: Benign. Last evaluated: 2021-05-03. Review status: criteria provided, single submitter. Criteria: Athena Diagnostics criteria. Collection method: clinical testing. Allele origin: unknown.

Illumina Laboratory Services, Illumina
Classification: Benign for Autosomal recessive distal spinal muscular atrophy 1. Last evaluated: 2018-01-13. Review status: criteria provided, single submitter. Criteria: ICSL Variant Classification Criteria 13 December 2019. Collection method: clinical testing. Allele origin: germline.
Comment: This variant was observed in the ICSL laboratory as part of a predisposition screen in an ostensibly healthy population. It had not been previously curated by ICSL or reported in the Human Gene Mutation Database (HGMD: prior to June 1st, 2018), and was therefore a candidate for classification through an automated scoring system. Utilizing variant allele frequency, disease prevalence and penetrance estimates, and inheritance mode, an automated score was calculated to assess if this variant is too frequent to cause the disease. Based on the score and internal cut-off values, a variant classified as benign is not then subjected to further curation. The score for this variant resulted in a classification of benign for this disease.

Laboratory for Molecular Medicine, Mass General Brigham Personalized Medicine
Classification: Benign. Last evaluated: 2016-03-28. Review status: criteria provided, single submitter. Criteria: LMM Criteria. Collection method: clinical testing. Allele origin: germline.
Comment: Variant identified in a genome or exome case(s) and assessed due to predicted null impact of the variant or pathogenic assertions in the literature or databases. Disclaimer: This variant has not undergone full assessment. The following are preliminary notes: 77% of total chromosomes in ExAC

Mayo Clinic Laboratories, Mayo Clinic
Classification: Benign. Last evaluated: 2015-08-26. Review status: criteria provided, single submitter. Criteria: ACMG Guidelines, 2015. Collection method: clinical testing. Allele origin: germline. Observed: 1,974 variant alleles.

GeneDx
Classification: Benign. Last evaluated: 2015-03-03. Review status: criteria provided, single submitter. Criteria: GeneDx Variant Classification Process June 2021. Collection method: clinical testing. Allele origin: germline. Affected: yes.

Breakthrough Genomics
Classification: Benign. Review status: criteria provided, single submitter. Criteria: ACMG Guidelines, 2015. Collection method: not provided. Allele origin: germline. Inheritance: Autosomal recessive inheritance. Affected: yes.

Molecular Genetics Laboratory, London Health Sciences Centre
Classification: Benign for Charcot-Marie-Tooth disease. Review status: criteria provided, single submitter. Criteria: ACMG Guidelines, 2015. Collection method: clinical testing. Allele origin: germline. Affected: yes.

PreventionGenetics, part of Exact Sciences
Classification: Benign. Review status: criteria provided, single submitter. Criteria: ACMG Guidelines, 2015. Collection method: clinical testing. Allele origin: germline.

Clinical Genetics, Academic Medical Center
Classification: Benign. Review status: no assertion criteria provided. Collection method: clinical testing. Allele origin: germline. Affected: yes. Study: VKGL Data-share Consensus. Not counted in ClinVar's aggregate classification.

Diagnostic Laboratory, Department of Genetics, University Medical Center Groningen
Classification: Benign for Autosomal recessive distal spinal muscular atrophy 1. Review status: no assertion criteria provided. Collection method: clinical testing. Allele origin: germline. Affected: yes. Study: VKGL Data-share Consensus. Not counted in ClinVar's aggregate classification.

Joint Genome Diagnostic Labs from Nijmegen and Maastricht, Radboudumc and MUMC+
Classification: Benign. Review status: no assertion criteria provided. Collection method: clinical testing. Allele origin: germline. Affected: yes. Study: VKGL Data-share Consensus. Not counted in ClinVar's aggregate classification.